The following is an entry in ClinVar:

ClinVar aggregate classification (germline): Uncertain significance. Review status: criteria provided, multiple submitters, no conflicts (2 of 4 stars). 2 submissions from 2 submitters: Uncertain significance (2). Last evaluated 2022-07-25.

Conditions:
Charcot-Marie-Tooth disease type 4. Also called: Charcot-Marie-Tooth disease, type IV; Charcot-Marie-Tooth, Type 4. Identifiers: Orphanet 64749, MedGen C4082197, MONDO:0018995.
Inborn genetic diseases. Identifiers: MedGen C0950123, MeSH D030342.

Allele frequency attached by ClinVar (database versions not stated): ExAC 0.00002; gnomAD exomes 0.00002; gnomAD 0.00007 and 0.00009; TOPMed 0.00008; 1000 Genomes Project 0.00020; 1000 Genomes Project 30x 0.00031.
gnomAD v4.1: 26 of 1,613,062 alleles (0.0016%); highest among the groups gnomAD compares: African/African-American, 0.024%; no homozygotes.

Submissions (2):

Labcorp Genetics (formerly Invitae), Labcorp
Classification: Uncertain significance for Charcot-Marie-Tooth disease type 4. Last evaluated: 2022-07-25. Review status: criteria provided, single submitter. Criteria: Invitae Variant Classification Sherloc (09022015). Collection method: clinical testing. Allele origin: germline.
Comment: This sequence change replaces proline, which is neutral and non-polar, with histidine, which is basic and polar, at codon 636 of the SBF2 protein (p.Pro636His). This variant is present in population databases (rs544091616, gnomAD 0.02%). This variant has not been reported in the literature in individuals affected with SBF2-related conditions. ClinVar contains an entry for this variant (Variation ID: 1010012). Algorithms developed to predict the effect of missense changes on protein structure and function are either unavailable or do not agree on the potential impact of this missense change (SIFT: "Tolerated"; PolyPhen-2: "Probably Damaging"; Align-GVGD: "Class C0"). In summary, the available evidence is currently insufficient to determine the role of this variant in disease. Therefore, it has been classified as a Variant of Uncertain Significance.

Ambry Genetics
Classification: Uncertain significance for Inborn genetic diseases. Last evaluated: 2021-06-22. Review status: criteria provided, single submitter. Criteria: Ambry Variant Classification Scheme 2023. Collection method: clinical testing. Allele origin: germline.

NM_030962.4(SBF2):c.1907C>A (p.Pro636His)

Genes: SBF2 (SET binding factor 2; minus strand), LOC101928008 (uncharacterized LOC101928008; plus strand). Cytogenetic location: 11p15.4.
Variant type: single nucleotide variant.
Coding change: c.1907C>A on transcript NM_030962.4 (MANE Select); coding-DNA position 1907, C replaced by A.
Protein change: p.Pro636His; replaces proline 636 with histidine.
Molecular consequence: missense variant.
Genome position (GRCh38, 1-based): chr11:9,895,965, G>T on the plus strand (C>A on the coding strand, the complement: SBF2 is on the minus strand). VCF-style: chr11-9895965-G-T. GRCh37 (hg19) VCF-style: chr11-9917512-G-T.
Other names: c.1907C>A, p.Pro636His (NM_001386339.1); c.1778C>A, p.Pro593His (NM_001386342.1); c.1907C>A (NM_030962.3); short protein forms P636H, P593H.
Identifiers: ClinVar variation 1010012 (VCV001010012.7), dbSNP rs544091616, ClinGen allele CA5881693.